The following is an entry in ClinVar:

NM_182914.3(SYNE2):c.18315G>A (p.Ser6105=)

Gene: SYNE2 (spectrin repeat containing nuclear envelope protein 2; plus strand). Cytogenetic location: 14q23.2.
Variant type: single nucleotide variant.
Coding change: c.18315G>A on transcript NM_182914.3 (MANE Select); coding-DNA position 18315, G replaced by A.
Protein change: p.Ser6105=; no amino-acid change (serine 6105 retained).
Molecular consequence: synonymous variant.
Genome position (GRCh38, 1-based): chr14:64,208,871, G>A. VCF-style: chr14-64208871-G-A. GRCh37 (hg19) VCF-style: chr14-64675589-G-A.
Other names: c.18315G>A, p.Ser6105= (NM_015180.6).
Identifiers: ClinVar variation 284260 (VCV000284260.17), dbSNP rs202084149, ClinGen allele CA7224035.

ClinVar aggregate classification (germline): Conflicting classifications of pathogenicity. Review status: criteria provided, conflicting classifications (1 of 4 stars). 3 submissions from 3 submitters: Uncertain significance (1); Likely benign (2). Last evaluated 2024-12-02.

Conditions:
Emery-Dreifuss muscular dystrophy 5, autosomal dominant (EDMD5). Also called: EMERY-DREIFUSS MUSCULAR DYSTROPHY 5. Identifiers: Orphanet 261, MedGen C2751805, MONDO:0013072, OMIM 612999.

Allele frequency attached by ClinVar (database versions not stated): ExAC 0.00003; gnomAD 0.00003 and 0.00005; TOPMed 0.00003; gnomAD exomes 0.00005 and 0.00007; ESP Exome Variant Server 0.00008; 1000 Genomes Project 30x 0.00016; 1000 Genomes Project 0.00020.
gnomAD v4.1: 104 of 1,614,168 alleles (0.0064%); highest among the groups gnomAD compares: East Asian, 0.14%; no homozygotes.

Submissions (3):

Labcorp Genetics (formerly Invitae), Labcorp
Classification: Likely benign for Emery-Dreifuss muscular dystrophy 5, autosomal dominant. Last evaluated: 2024-12-02. Review status: criteria provided, single submitter. Criteria: Invitae Variant Classification Sherloc (09022015). Collection method: clinical testing. Allele origin: germline.

Illumina Laboratory Services, Illumina
Classification: Likely benign for Emery-Dreifuss muscular dystrophy 5, autosomal dominant. Last evaluated: 2018-01-13. Review status: criteria provided, single submitter. Criteria: ICSL Variant Classification Criteria 13 December 2019. Collection method: clinical testing. Allele origin: germline.
Comment: This variant was observed in the ICSL laboratory as part of a predisposition screen in an ostensibly healthy population. It had not been previously curated by ICSL or reported in the Human Gene Mutation Database (HGMD: prior to June 1st, 2018), and was therefore a candidate for classification through an automated scoring system. Utilizing variant allele frequency, disease prevalence and penetrance estimates, and inheritance mode, an automated score was calculated to assess if this variant is too frequent to cause the disease. Based on the score and internal cut-off values, a variant classified as likely benign is not then subjected to further curation. The score for this variant resulted in a classification of likely benign for this disease.

Eurofins Ntd Llc (ga)
Classification: Uncertain significance. Last evaluated: 2015-10-20. Review status: criteria provided, single submitter. Criteria: EGL Classification Definitions 2015. Collection method: clinical testing. Allele origin: germline. Observed: 1 variant allele, 1 heterozygote.